The following continues an entry in ClinVar:

NM_000051.4(ATM):c.3245_3247delinsTGAT (p.His1082fs)

Gene: ATM. ClinVar aggregate classification (germline): Pathogenic. Pathogenic (1).

Submissions 9 to 20 of 20:

Color Diagnostics, LLC DBA Color Health
Classification: Pathogenic for Hereditary cancer-predisposing syndrome. Last evaluated: 2024-05-07. Review status: criteria provided, single submitter. Criteria: ACMG Guidelines, 2015. Collection method: clinical testing. Allele origin: germline. Not counted in ClinVar's aggregate classification.
Comment: This variant replaces 3 nucleotides in exon 22 of the ATM gene with 4 new nucleotides, creating a frameshift and premature translation stop signal. This variant is expected to result in an absent or non-functional protein product. This variant has been reported in individuals affected with ataxia-telangiectasia and is a recurrent mutation in the Norwegian population (PMID: 9443866, 9781027, 10980530). This variant has also been reported in individuals affected with breast cancer (PMID: 8797579, 9537233, 11104561, 31882575), prostate cancer (PMID: 27084275), and ovarian cancer (PMID: 31882575). This variant has not been identified in the general population by the Genome Aggregation Database (gnomAD). Loss of ATM function is a known mechanism of disease. Based on the available evidence, this variant is classified as Pathogenic.

Myriad Genetics, Inc.
Classification: Pathogenic for Familial cancer of breast. Last evaluated: 2024-01-19. Review status: criteria provided, single submitter. Criteria: Myriad Autosomal Dominant, Autosomal Recessive and X-Linked Classification Criteria (2023). Collection method: clinical testing. Allele origin: unknown. Not counted in ClinVar's aggregate classification.
Comment: This variant is considered pathogenic. This variant creates a frameshift predicted to result in premature protein truncation.

GeneDx
Classification: Pathogenic. Last evaluated: 2023-12-08. Review status: criteria provided, single submitter. Criteria: GeneDx Variant Classification Process June 2021. Collection method: clinical testing. Allele origin: germline. Affected: yes. Not counted in ClinVar's aggregate classification.
Comment: Frameshift variant predicted to result in protein truncation or nonsense mediated decay in a gene for which loss of function is a known mechanism of disease; Observed in the heterozygous state in individuals with a personal history of ATM-related cancers (PMID: 8797579, 30067863, 31811167, 31391296); Not observed at significant frequency in large population cohorts (gnomAD); Truncating variants in this gene are considered pathogenic by a well-established clinical consortium and/or database; This variant is associated with the following publications: (PMID: 26681312, 17540590, 15196260, 15942625, 9443866, 18321536, 9781027, 8797579, 9537233, 30067863, 27084275, 10817650, 31391296, 31811167, 30612635, 33763108, 32754152, 33144682, 29922827, 33436325, 32853339, 10980530)

Baylor Genetics
Classification: Pathogenic for Familial cancer of breast. Last evaluated: 2023-10-20. Review status: criteria provided, single submitter. Criteria: ACMG Guidelines, 2015. Collection method: clinical testing. Allele origin: unknown. Not counted in ClinVar's aggregate classification.

Clinical Genetics Laboratory, Skane University Hospital Lund
Classification: Pathogenic. Last evaluated: 2023-01-12. Review status: criteria provided, single submitter. Criteria: ACMG Guidelines, 2015. Collection method: clinical testing. Allele origin: germline. Affected: yes. Not counted in ClinVar's aggregate classification.

AiLife Diagnostics
Classification: Likely pathogenic. Last evaluated: 2021-12-28. Review status: criteria provided, single submitter. Criteria: ACMG Guidelines, 2015. Collection method: clinical testing. Allele origin: germline. Affected: yes. Observed: 1 variant allele. Not counted in ClinVar's aggregate classification.

Division of Medical Genetics, University of Washington
Classification: Pathogenic for Familial cancer of breast. Last evaluated: 2020-03-09. Review status: criteria provided, single submitter. Criteria: ACMG Guidelines, 2015. Collection method: clinical testing. Allele origin: germline. Affected: no. Study: CSER_CHARM. Not counted in ClinVar's aggregate classification.
Comment: The variant causes a frameshift and creates a premature stop codon at position 14 of the new reading frame. The variant transcript is predicted to be degraded by nonsense-mediated decay or lead to a truncated protein. Loss of expression of one allele of ATM is a well-established mechanism of disease (Huang 2013, Podralska 2014). This variant has been reported in the literature in individuals with breast or prostate cancer (Vorechovsky 2996, Chen 1998, Hart 2016) and in individuals with ataxia-telangiectasia (Telatar 1998, Laake 1998, Laake 2000). This variant has an allele frequency of 0.00003 in the Broad Institute gnomAD Browser. Thus, this variant is interpreted as pathogenic. PVS1; PM3

Human Genome Sequencing Center Clinical Lab, Baylor College of Medicine
Classification: Pathogenic for Susceptibility to breast cancer; Ataxia-telangiectasia. Last evaluated: 2019-06-17. Review status: criteria provided, single submitter. Criteria: ACMG Guidelines, 2015. Collection method: clinical testing. Allele origin: germline. Not counted in ClinVar's aggregate classification.
Comment: The c.3245_3247delATCinsTGAT (p.His1082Leufs*14) variant in the ATM gene creates a stop codon which is predicted to lead to nonsense-mediated mRNA decay, which is a known disease mechanism for this gene. This variant is absent from general population databases. Therefore, this c.3245_3247delATCinsTGAT (p.His1082Leufs*14) variant in the ATM gene is classified as pathogenic.

Women's Health and Genetics/Laboratory Corporation of America, LabCorp
Classification: Pathogenic for Ataxia-telangiectasia syndrome. Last evaluated: 2017-11-09. Review status: criteria provided, single submitter. Criteria: LabCorp Variant Classification Summary - May 2015. Collection method: clinical testing. Allele origin: germline. Not counted in ClinVar's aggregate classification.
Comment: Variant summary: The ATM c.3245_3247delinsTGAT (p.His1082LeufsX14) variant results in a premature termination codon, predicted to cause a truncated or absent ATM protein due to nonsense mediated decay, which are commonly known mechanisms for disease. This variant is absent in 30972 control chromosomes (gnomAD). Multiple publications have cited the variant in affected A-T patients and has been indicated to be a Norwegian founder mutation. In addition, multiple clinical diagnostic laboratories/reputable databases classified this variant as pathogenic. Taken together, this variant is classified as pathogenic.

BRCAlab, Lund University
Classification: Pathogenic for Familial cancer of breast. Last evaluated: 2022-08-26. Review status: no assertion criteria provided. Collection method: clinical testing. Allele origin: germline. Affected: yes. Not counted in ClinVar's aggregate classification.

Counsyl
Classification: Pathogenic for Ataxia-telangiectasia syndrome. Last evaluated: 2016-03-10. Review status: no assertion criteria provided. Collection method: clinical testing. Allele origin: unknown. Not counted in ClinVar's aggregate classification.

OMIM
Classification: Pathogenic for ATAXIA-TELANGIECTASIA. Last evaluated: 2000-09-01. Review status: no assertion criteria provided. Collection method: literature only. Allele origin: germline. Not counted in ClinVar's aggregate classification.

Literature cited by the submitters: PubMed 23807571 (cited by Labcorp Genetics (formerly Invitae), Labcorp); PubMed 25614872 (cited by Labcorp Genetics (formerly Invitae), Labcorp); PubMed 8797579 (cited by Labcorp Genetics (formerly Invitae), Labcorp and Color Diagnostics, LLC DBA Color Health); PubMed 9443866 (cited by 3 submitters); PubMed 9537233 (cited by Labcorp Genetics (formerly Invitae), Labcorp and Color Diagnostics, LLC DBA Color Health); PubMed 9781027 (cited by 3 submitters); PubMed 10980530 (cited by 6 submitters); PubMed 27084275 (cited by Labcorp Genetics (formerly Invitae), Labcorp and Color Diagnostics, LLC DBA Color Health); PubMed 10817650 (cited by Ambry Genetics); PubMed 17540590 (cited by Ambry Genetics); PubMed 26681312 (cited by Ambry Genetics); PubMed 11104561 (cited by Color Diagnostics, LLC DBA Color Health); PubMed 31882575 (cited by Color Diagnostics, LLC DBA Color Health); PubMed 33436325 (cited by AiLife Diagnostics); PubMed 32853339 (cited by AiLife Diagnostics).